The following is an entry in ClinVar:

NM_000069.3(CACNA1S):c.389T>C (p.Val130Ala)

Gene: CACNA1S (calcium voltage-gated channel subunit alpha1 S; minus strand). Cytogenetic location: 1q32.1.
Variant type: single nucleotide variant.
Coding change: c.389T>C on transcript NM_000069.3 (MANE Select); coding-DNA position 389, T replaced by C.
Protein change: p.Val130Ala; replaces valine 130 with alanine.
Molecular consequence: missense variant.
Genome position (GRCh38, 1-based): chr1:201,093,891, A>G on the plus strand (T>C on the coding strand, the complement: CACNA1S is on the minus strand). VCF-style: chr1-201093891-A-G. GRCh37 (hg19) VCF-style: chr1-201063019-A-G.
Other names: short protein forms V130A.
Identifiers: ClinVar variation 3073945 (VCV003073945.1), dbSNP rs2464632858, ClinGen allele CA344144141.

ClinVar aggregate classification (germline): Uncertain significance (1 of 4 stars; one submission).

Conditions:
Malignant hyperthermia, susceptibility to, 5 (MHS5). Also called: CACNA1S-Related Malignant Hyperthermia Susceptibility. Identifiers: Orphanet 423, MedGen C1866077, MONDO:0011163, OMIM 601887.

Submission:

All of Us Research Program, National Institutes of Health
Classification: Uncertain significance for Malignant hyperthermia, susceptibility to, 5. Last evaluated: 2023-11-30. Review status: criteria provided, single submitter. Criteria: ACMG Guidelines, 2015. Collection method: clinical testing. Allele origin: germline. Inheritance: Autosomal dominant inheritance. Observed: 1 variant allele, 1 heterozygote.
Comment: This study involves interpretation of variants in research participants for the purpose of population health screening. Participant phenotype was not available at the time of variant classification. Additional details can be found in publication PMID: 35346344, PMCID: PMC8962531